The following is an entry in ClinVar:

ClinVar aggregate classification (germline): Benign. Review status: criteria provided, multiple submitters, no conflicts (2 of 4 stars). 10 submissions from 10 submitters: Benign (8). 2 of the submissions do not count toward it. Last evaluated 2026-01-26.

Conditions:
Cardiovascular phenotype. Identifiers: MedGen CN230736.
Osteogenesis imperfecta (OI). Identifiers: Orphanet 666, MedGen C0029434, MeSH D010013, MONDO:0019019.
Osteogenesis imperfecta type I (OI1). Also called: Lobstein's Disease; Lobstein disease; OI, TYPE I; OSTEOGENESIS IMPERFECTA TARDA; OSTEOGENESIS IMPERFECTA WITH BLUE SCLERAE; Osteogenesis imperfecta type 1. Identifiers: Orphanet 216796, Orphanet 666, MedGen C0023931, MONDO:0008146, OMIM 166200. Disease mechanism: loss of function.

Allele frequency attached by ClinVar (database versions not stated): gnomAD exomes 0.00041 and 0.00115; ExAC 0.00155; 1000 Genomes Project 0.00339; 1000 Genomes Project 30x 0.00422; gnomAD 0.00441 and 0.00480; ESP Exome Variant Server 0.00485; TOPMed 0.00496.
gnomAD v4.1: 1,294 of 1,614,056 alleles (0.08%); highest among the groups gnomAD compares: African/African-American, 1.5%; 11 homozygotes.

Submissions (10):

Labcorp Genetics (formerly Invitae), Labcorp
Classification: Benign for Osteogenesis imperfecta type I. Last evaluated: 2026-01-26. Review status: criteria provided, single submitter. Criteria: Invitae Variant Classification Sherloc (09022015). Collection method: clinical testing. Allele origin: germline.

Molecular Diagnostic Laboratory for Inherited Cardiovascular Disease, Montreal Heart Institute
Classification: Benign. Last evaluated: 2025-07-24. Review status: criteria provided, single submitter. Criteria: ACMG Guidelines, 2015. Collection method: clinical testing. Allele origin: germline. Affected: no.
Comment: BS1;BP7

Mayo Clinic Laboratories, Mayo Clinic
Classification: Benign. Last evaluated: 2025-02-21. Review status: criteria provided, single submitter. Criteria: ACMG Guidelines, 2015. Collection method: clinical testing. Allele origin: germline. Observed: 8 variant alleles.
Comment: BA1, BP4, BP7

ARUP Laboratories, Molecular Genetics and Genomics, ARUP Laboratories
Classification: Benign. Last evaluated: 2025-01-06. Review status: criteria provided, single submitter. Criteria: ARUP Molecular Germline Variant Investigation Process 2024. Collection method: clinical testing. Allele origin: germline.

Women's Health and Genetics/Laboratory Corporation of America, LabCorp
Classification: Benign. Last evaluated: 2024-12-06. Review status: criteria provided, single submitter. Criteria: LabCorp Variant Classification Summary - May 2015. Collection method: clinical testing. Allele origin: germline.

Genome Diagnostics Laboratory, The Hospital for Sick Children
Classification: Benign for Osteogenesis imperfecta. Last evaluated: 2022-03-10. Review status: criteria provided, single submitter. Criteria: ACMG Guidelines, 2015. Collection method: clinical testing. Allele origin: germline.

Ambry Genetics
Classification: Benign for Cardiovascular phenotype. Last evaluated: 2019-08-10. Review status: criteria provided, single submitter. Criteria: Ambry Variant Classification Scheme 2023. Collection method: clinical testing. Allele origin: germline.

GeneDx
Classification: Benign. Last evaluated: 2017-08-28. Review status: criteria provided, single submitter. Criteria: GeneDx Variant Classification (06012015). Collection method: clinical testing. Allele origin: germline. Affected: yes.
Comment: This variant is considered likely benign or benign based on one or more of the following criteria: it is a conservative change, it occurs at a poorly conserved position in the protein, it is predicted to be benign by multiple in silico algorithms, and/or has population frequency not consistent with disease.

Clinical Genetics, Academic Medical Center
Classification: Benign. Review status: no assertion criteria provided. Collection method: clinical testing. Allele origin: germline. Affected: yes. Study: VKGL Data-share Consensus. Not counted in ClinVar's aggregate classification.

Genome Diagnostics Laboratory, University Medical Center Utrecht
Classification: Likely benign. Review status: no assertion criteria provided. Collection method: clinical testing. Allele origin: germline. Affected: yes. Study: VKGL Data-share Consensus. Not counted in ClinVar's aggregate classification.

Literature cited by the submitters: PubMed 18996919 (cited by Mayo Clinic Laboratories, Mayo Clinic and Women's Health and Genetics/Laboratory Corporation of America, LabCorp).

NM_000088.4(COL1A1):c.612C>T (p.Pro204=)

Gene: COL1A1 (collagen type I alpha 1 chain; minus strand). Cytogenetic location: 17q21.33.
Variant type: single nucleotide variant.
Coding change: c.612C>T on transcript NM_000088.4 (MANE Select); coding-DNA position 612, C replaced by T.
Protein change: p.Pro204=; no amino-acid change (proline 204 retained).
Molecular consequence: synonymous variant.
Genome position (GRCh38, 1-based): chr17:50,197,979, G>A on the plus strand (C>T on the coding strand, the complement: COL1A1 is on the minus strand). VCF-style: chr17-50197979-G-A. GRCh37 (hg19) VCF-style: chr17-48275340-G-A.
Other names: p.Pro204=.
Identifiers: ClinVar variation 35926 (VCV000035926.31), dbSNP rs138078016, ClinGen allele CA260321.